The following is an entry in ClinVar:

NM_002335.4(LRP5):c.3245A>G (p.Tyr1082Cys)

Gene: LRP5 (LDL receptor related protein 5; plus strand). Cytogenetic location: 11q13.2.
Variant type: single nucleotide variant.
Coding change: c.3245A>G on transcript NM_002335.4 (MANE Select); coding-DNA position 3245, A replaced by G.
Protein change: p.Tyr1082Cys; replaces tyrosine 1082 with cysteine.
Molecular consequence: missense variant.
Genome position (GRCh38, 1-based): chr11:68,425,110, A>G. VCF-style: chr11-68425110-A-G. GRCh37 (hg19) VCF-style: chr11-68192578-A-G.
Other names: c.3245A>G (NM_002335.3); c.1502A>G, p.Tyr501Cys (NM_001291902.2); short protein forms Y1082C, Y501C.
Identifiers: ClinVar variation 546679 (VCV000546679.60), dbSNP rs113804402, ClinGen allele CA6149924.

ClinVar aggregate classification (germline): Conflicting classifications of pathogenicity. Review status: criteria provided, conflicting classifications (1 of 4 stars). 10 submissions from 10 submitters: Pathogenic (1); Likely pathogenic (2); Uncertain significance (6). 1 of the submissions does not count toward it. Last evaluated 2026-03-10.

Conditions:
LRP5-related disorder. Also called: LRP5-related condition.
Autosomal dominant osteopetrosis 1 (OPTA1). Also called: OSTEOPETROSIS, AUTOSOMAL DOMINANT, TYPE I. Identifiers: Orphanet 2783, MedGen C1843330, MONDO:0011877, OMIM 607634.
Bone mineral density quantitative trait locus 1 (BMND1). Identifiers: MedGen C1866079, OMIM 601884.
Exudative vitreoretinopathy 4 (EVR4). Identifiers: Orphanet 891, MedGen C1866176, MONDO:0011151, OMIM 601813.
Polycystic liver disease 4 with or without kidney cysts. Identifiers: MedGen C4693479, MONDO:0044327, OMIM 617875.
Worth disease. Also called: ENDOSTEAL HYPEROSTOSIS, AUTOSOMAL DOMINANT; OSTEOSCLEROSIS, AUTOSOMAL DOMINANT; Autosomal dominant osteosclerosis, Worth type. Identifiers: Orphanet 2790, MedGen C0432273, MONDO:0007764, OMIM 144750.
Osteoporosis with pseudoglioma (OPPG). Also called: osteoporosis-pseudoglioma syndrome. Identifiers: Orphanet 2788, MedGen C0432252, MONDO:0009820, OMIM 259770.

Allele frequency attached by ClinVar (database versions not stated): ExAC 0.00008; gnomAD exomes 0.00008 and 0.00009; TOPMed 0.00009; gnomAD 0.00010 and 0.00011; ESP Exome Variant Server 0.00023.
gnomAD v4.1: 147 of 1,613,522 alleles (0.0091%); highest among the groups gnomAD compares: Non-Finnish European, 0.012%; no homozygotes.

Submissions (10):

Clinical Biomedical Laboratory, Shriners Hospital For Children - Canada
Classification: Likely pathogenic for Autosomal dominant osteopetrosis 1. Last evaluated: 2026-03-10. Review status: criteria provided, single submitter. Criteria: ACMG Guidelines, 2015. Collection method: clinical testing. Allele origin: germline. Affected: yes.
Comment: This variant is predicted to substitute a tyrosine residue by a cysteine residue in LRP5. In a large study on apparently healthy adults (Genome Aggregation Database, v2.1.1.), this variant was found at low frequency. This variant has been reported in the literature (PMID: 33118644) in individuals with early-onset osteoporosis. Based on the ACMG variant interpretation guidelines, the available evidence supports classification of this variant as a variant of uncertain significance.

PreventionGenetics, part of Exact Sciences
Classification: Uncertain significance for LRP5-related condition. Last evaluated: 2025-12-23. Review status: criteria provided, single submitter. Criteria: ACMG Guidelines, 2015. Collection method: clinical testing. Allele origin: germline.
Comment: The LRP5 c.3245A>G variant is predicted to result in the amino acid substitution p.Tyr1082Cys. This variant has been reported in two individuals with early-onset osteoporosis (Stürznickel et al. 2021. PubMed ID: 33118644) and in another with exudative vitreoretinopathy (Tao et al. 2021. PubMed ID: 34860240). This variant is reported in 0.016% of alleles in individuals of European (Non-Finnish) descent in gnomAD. Although we suspect that this variant may be pathogenic, at this time, the clinical significance of this variant is uncertain due to the absence of conclusive functional and genetic evidence.

Labcorp Genetics (formerly Invitae), Labcorp
Classification: Pathogenic. Last evaluated: 2025-12-10. Review status: criteria provided, single submitter. Criteria: Invitae Variant Classification Sherloc (09022015). Collection method: clinical testing. Allele origin: germline.
Comment: This sequence change replaces tyrosine, which is neutral and polar, with cysteine, which is neutral and slightly polar, at codon 1082 of the LRP5 protein (p.Tyr1082Cys). This variant is present in population databases (rs113804402, gnomAD 0.02%). This missense change has been observed in individual(s) with clinical features of autosomal recessive exudative vitreoretinopathy (PMID: 34860240; internal data). In at least one individual the data is consistent with being in trans (on the opposite chromosome) from a pathogenic variant. ClinVar contains an entry for this variant (Variation ID: 546679). Invitae Evidence Modeling of protein sequence and biophysical properties (such as structural, functional, and spatial information, amino acid conservation, physicochemical variation, residue mobility, and thermodynamic stability) indicates that this missense variant is expected to disrupt LRP5 protein function with a positive predictive value of 95%. For these reasons, this variant has been classified as Pathogenic.

GeneDx
Classification: Uncertain significance. Last evaluated: 2025-06-29. Review status: criteria provided, single submitter. Criteria: GeneDx Variant Classification Process June 2021. Collection method: clinical testing. Allele origin: germline. Affected: yes.
Comment: Reported with a second variant on the opposite allele (in trans) in a patient with FEVR in published literature (PMID: 34860240); Reported in the heterozygous state in multiple individuals belonging to a single family with early-onset osteoporosis in published literature (PMID: 33118644); In silico analysis supports that this missense variant has a deleterious effect on protein structure/function; This variant is associated with the following publications: (PMID: 38702915, 34860240, 33118644)

Dasa
Classification: Uncertain significance. Last evaluated: 2025-06-26. Review status: criteria provided, single submitter. Criteria: DASA Assertion Criteria. Collection method: clinical testing. Allele origin: germline.
Comment: NM_002335.4(LRP5):c.3245A>G (p.Tyr1082Cys) is a missense variant that results in the substitution of tyrosine with cysteine. This variant has been reported in individuals with LRP5-related disorders (PMID: 33118644). Also, this variant is rare in population databases. Computational prediction algorithms are consistent with a deleterious effect. The currently available literature and clinical evidence are not sufficient to establish a definitive association between this variant and the reported condition. Therefore, this variant is classified as a variant of uncertain significance.

Blueprint Genetics
Classification: Likely pathogenic for LRP5-related disorders. Last evaluated: 2024-10-16. Review status: criteria provided, single submitter. Criteria: ACMG Guidelines, 2015. Collection method: clinical testing. Allele origin: germline. Affected: yes. Observed: 5 variant alleles.

Fulgent Genetics
Classification: Uncertain significance for Worth disease; Osteoporosis with pseudoglioma; Exudative vitreoretinopathy 4; Bone mineral density quantitative trait locus 1; Autosomal dominant osteopetrosis 1; Polycystic liver disease 4 with or without kidney cysts. Last evaluated: 2024-02-24. Review status: criteria provided, single submitter. Criteria: ACMG Guidelines, 2015. Collection method: clinical testing. Allele origin: germline.

Women's Health and Genetics/Laboratory Corporation of America, LabCorp
Classification: Uncertain significance. Last evaluated: 2023-06-08. Review status: criteria provided, single submitter. Criteria: LabCorp Variant Classification Summary - May 2015. Collection method: clinical testing. Allele origin: germline.
Comment: Variant summary: LRP5 c.3245A>G (p.Tyr1082Cys) results in a non-conservative amino acid change in the encoded protein sequence. Five of five in-silico tools predict a damaging effect of the variant on protein function. The variant allele was found at a frequency of 8e-05 in 249336 control chromosomes (gnomAD), predominantly at a frequency of 0.00017 within the Non-Finnish European subpopulation in the gnomAD database. The observed variant frequency within Non-Finnish European control individuals in the gnomAD database is approximately 3 fold of the estimated maximal expected allele frequency for a pathogenic variant in LRP5 causing Familial Exudative Vitreoretinopathy (6.3e-05), strongly suggesting that the variant is a benign polymorphism found primarily in populations of Non-Finnish European origin. c.3245A>G has been reported in the literature in heterozygous individuals affected with Early-onset osteoporosis (Sturznickel_2021) and in a compound heterozygous individual with Exudative Vitreoretinopathy with unaffected heterozygous parents (Tao_2021). These reports do not provide unequivocal conclusions about association of the variant with Familial Exudative Vitreoretinopathy. To our knowledge, no experimental evidence demonstrating an impact on protein function has been reported. The following publications have been ascertained in the context of this evaluation (PMID: 33118644, 34860240). Three ClinVar submitters have assessed the variant since 2014: two classified the variant as uncertain significance and one as likely pathogenic. Based on the evidence outlined above, the variant was classified as uncertain significance.

CeGaT Center for Human Genetics Tuebingen
Classification: Uncertain significance. Last evaluated: 2017-12-01. Review status: criteria provided, single submitter. Criteria: CeGaT Center For Human Genetics Tuebingen Variant Classification Criteria Version 2. Collection method: clinical testing. Allele origin: germline. Affected: yes. Observed: 1 variant allele.

Diagnostics Centre, Carl Von Ossietzky University Oldenburg
Classification: Uncertain significance. Last evaluated: 2025-04-22. Review status: no assertion criteria provided. Collection method: clinical testing. Allele origin: germline. Affected: yes. Observed: 1 variant allele. Not counted in ClinVar's aggregate classification.
Comment: The variant NM_002335.4(LRP5):c.3245A>G p.(Tyr1082Cys), results from a adenine-to-guanine substitution at nucleotide position c.3245. The tyrosine at protein position 1082 is replaced by a cysteine. In silico tools predict a severe deleterious effect in the protein structure/function (REVEL = 0,97). The variant presented here has been classified once in ClinVar as pathogenic and four times as a variant of uncertain significance (ClinVar ID: 546679). It has also been described in several publications, including in association with autosomal recessive exudative vitreoretinopathy (PMID: 34860240), as well as with biallelic loss-of-function mutations causing autosomal recessive osteoporosis-pseudoglioma syndrome. Heterozygous loss-of-function (LOF) variants are associated with a phenotype characterized by low bone density, reduced bone formation, and an increased risk of fractures, as well as exudative vitreoretinopathy, or a combination of these features. In contrast, gain-of-function mutations in LRP5 are associated with a high bone density phenotype (PMID: 33118644). The variant is classified as rare in the general population (MAF 9.1 * e-5 in gnomAD). In summary, this variant is classified as a Variant of Uncertain Significance (VUS).

Literature cited by the submitters: PubMed 33118644 (cited by 4 submitters); PubMed 34860240 (cited by 3 submitters).